The following is an entry in ClinVar:

ClinVar aggregate classification (germline): Uncertain significance (1 of 4 stars; one submission).

Submission:

Labcorp Genetics (formerly Invitae), Labcorp
Classification: Uncertain significance. Last evaluated: 2024-12-24. Review status: criteria provided, single submitter. Criteria: Invitae Variant Classification Sherloc (09022015). Collection method: clinical testing. Allele origin: germline.
Comment: This sequence change creates a premature translational stop signal (p.Leu489Alafs*5) in the FTO gene. While this is not anticipated to result in nonsense mediated decay, it is expected to disrupt the last 17 amino acid(s) of the FTO protein. This variant is not present in population databases (gnomAD no frequency). This variant has not been reported in the literature in individuals affected with FTO-related conditions. In summary, the available evidence is currently insufficient to determine the role of this variant in disease. Therefore, it has been classified as a Variant of Uncertain Significance.

NM_001080432.3(FTO):c.1448_1463dup (p.Asp488_Leu489insAlaSerAlaValTer)

Gene: FTO (FTO alpha-ketoglutarate dependent dioxygenase; plus strand). Cytogenetic location: 16q12.2.
Variant type: Duplication.
Coding change: c.1448_1463dup on transcript NM_001080432.3 (MANE Select); coding-DNA positions 1448 to 1463, 16 bases duplicated (TGCCTCTGCCGTTTGA).
Protein change: p.Asp488_Leu489insAlaSerAlaValTer.
Molecular consequence: nonsense, inframe insertion. On other transcripts: frameshift variant (9).
Genome position (GRCh38, 1-based): chr16:54,111,845-54,111,860, TGCCTCTGCCGTTTGA duplicated; duplicating any 16 consecutive bases within chr16:54,111,843-54,111,860 gives the same sequence; the c. name uses the placement nearest the transcript's 3' end. VCF-style (leftmost placement, unchanged base first): chr16-54111842-C-CGATGCCTCTGCCGTTT. GRCh37 (hg19) VCF-style: chr16-54145754-C-CGATGCCTCTGCCGTTT.
Other names: c.1478_1493dup, p.Leu499Alafs (NM_001363891.2); c.1511_1526dup, p.Leu510Alafs (NM_001363894.2); c.1430_1445dup, p.Leu483Alafs (NM_001363896.2); c.1370_1385dup, p.Leu463Alafs (NM_001363897.2); c.1334_1349dup, p.Leu451Alafs (NM_001363898.2, NM_001363899.2); c.1304_1319dup, p.Leu441Alafs (NM_001363900.2, NM_001363901.2); c.*48_*63dup (NM_001363903.2); c.935_950dup, p.Leu318Alafs (NM_001363905.2); and 1 more.
Identifiers: ClinVar variation 3623863 (VCV003623863.2).
Genomic context (GRCh38, chr16:54,111,842, plus strand): 5'-GAACATTACCTGCTGATCAGAAGCCAGAATGTCGGCCATACTGGGAAAAGGATGATGCTT[C>CGATGCCTCTGCCGTTT]GATGCCTCTGCCGTTTGACCTCACAGACATCGTTTCAGAACTCAGAGGTCAGCTTCTGGA-3'